The following is an entry in ClinVar:

ClinVar aggregate classification (germline): Conflicting classifications of pathogenicity. Review status: criteria provided, conflicting classifications (1 of 4 stars). 3 submissions from 3 submitters: Uncertain significance (2); Benign (1). Last evaluated 2025-10-09.

Conditions:
Kabuki syndrome 1 (KABUK1). Also called: KMT2D-Related Kabuki Syndrome. Identifiers: Orphanet 2322, MedGen CN030661, MONDO:0007843, OMIM 147920.
Kabuki syndrome. Also called: Kabuki make-up syndrome; NIIKAWA-KUROKI SYNDROME. Identifiers: Orphanet 2322, MedGen C0796004, MONDO:0016512.

Allele frequency attached by ClinVar (database versions not stated): gnomAD exomes below 0.00001; TOPMed below 0.00001; gnomAD 0.00001.
gnomAD v4.1: 6 of 1,612,286 alleles (0.00037%); highest among the groups gnomAD compares: East Asian, 0.0022%; no homozygotes.

Submissions (3):

Labcorp Genetics (formerly Invitae), Labcorp
Classification: Benign for Kabuki syndrome. Last evaluated: 2025-10-09. Review status: criteria provided, single submitter. Criteria: Invitae Variant Classification Sherloc (09022015). Collection method: clinical testing. Allele origin: germline.

Blueprint Genetics
Classification: Uncertain significance. Last evaluated: 2023-04-19. Review status: criteria provided, single submitter. Criteria: ACMG Guidelines, 2015. Collection method: clinical testing. Allele origin: germline.

Baylor Genetics
Classification: Uncertain significance for Kabuki syndrome 1. Last evaluated: 2019-08-06. Review status: criteria provided, single submitter. Criteria: ACMG Guidelines, 2015. Collection method: clinical testing. Allele origin: unknown. Affected: yes.
Comment: This variant was determined to be of uncertain significance according to ACMG Guidelines, 2015 [PMID:25741868].

NM_003482.4(KMT2D):c.10027C>G (p.Leu3343Val)

Gene: KMT2D (lysine methyltransferase 2D; minus strand). Cytogenetic location: 12q13.12.
Variant type: single nucleotide variant.
Coding change: c.10027C>G on transcript NM_003482.4 (MANE Select); coding-DNA position 10027, C replaced by G.
Protein change: p.Leu3343Val; replaces leucine 3343 with valine.
Molecular consequence: missense variant.
Genome position (GRCh38, 1-based): chr12:49,037,329, G>C on the plus strand (C>G on the coding strand, the complement: KMT2D is on the minus strand). VCF-style: chr12-49037329-G-C. GRCh37 (hg19) VCF-style: chr12-49431112-G-C.
Other names: short protein forms L3343V.
Identifiers: ClinVar variation 1030666 (VCV001030666.6), dbSNP rs1299043216, ClinGen allele CA384733013.
Genomic context (GRCh38, chr12:49,037,329, plus strand): 5'-CTCCATGCTGCCCACTTAGCATATGCCCTTGATTGGACACCATAGCCATGGATGGAGCCA[G>C]GCGTTGCTGGAGGGCATGAGCTGGTGGCTGGGTGGGCATCAGTGGCTGGGGCAAACCTGG-3'
Protein context (NP_003473.3, residues 3333-3353): QPPAHALQQR[Leu3343Val]APSMAMVSNQ